The following is an entry in ClinVar:

NM_005883.3(APC2):c.3089G>C (p.Trp1030Ser)

Gene: APC2 (APC regulator of Wnt signaling pathway 2; plus strand). Cytogenetic location: 19p13.3.
Variant type: single nucleotide variant.
Coding change: c.3089G>C on transcript NM_005883.3 (MANE Select); coding-DNA position 3089, G replaced by C.
Protein change: p.Trp1030Ser; replaces tryptophan 1030 with serine.
Molecular consequence: missense variant.
Genome position (GRCh38, 1-based): chr19:1,466,390, G>C. VCF-style: chr19-1466390-G-C. GRCh37 (hg19) VCF-style: chr19-1466389-G-C.
Other names: c.3086G>C, p.Trp1029Ser (NM_001351273.1); short protein forms W1029S, W1030S.
Identifiers: ClinVar variation 2499796 (VCV002499796.2), dbSNP rs2512521367, ClinGen allele CA403028681.

ClinVar aggregate classification (germline): Uncertain significance (1 of 4 stars; one submission).

Submission:

GeneDx
Classification: Uncertain significance. Last evaluated: 2024-11-18. Review status: criteria provided, single submitter. Criteria: GeneDx Variant Classification Process June 2021. Collection method: clinical testing. Allele origin: germline.
Comment: Not observed at significant frequency in large population cohorts (gnomAD); In silico analysis supports that this missense variant has a deleterious effect on protein structure/function; Has not been previously published as pathogenic or benign to our knowledge